The following is an entry in ClinVar:

ClinVar aggregate classification (germline): Uncertain significance. Review status: criteria provided, multiple submitters, no conflicts (2 of 4 stars). 2 submissions from 2 submitters: Uncertain significance (2). Last evaluated 2025-03-18.

Conditions:
Inborn genetic diseases. Identifiers: MedGen C0950123, MeSH D030342.
Early-infantile DEE. Also called: Ohtahara syndrome; Early infantile epileptic encephalopathy; Early infantile epileptic encephalopathy with suppression bursts. Identifiers: Orphanet 1934, MedGen C0393706, MONDO:0800491.

Allele frequency attached by ClinVar (database versions not stated): gnomAD 0.00001; gnomAD exomes 0.00001.
gnomAD v4.1: 21 of 1,613,942 alleles (0.0013%); highest among the groups gnomAD compares: Non-Finnish European, 0.0018%; no homozygotes.

Submissions (2):

Labcorp Genetics (formerly Invitae), Labcorp
Classification: Uncertain significance for Early-infantile DEE. Last evaluated: 2025-03-18. Review status: criteria provided, single submitter. Criteria: Invitae Variant Classification Sherloc (09022015). Collection method: clinical testing. Allele origin: germline.
Comment: This sequence change replaces leucine, which is neutral and non-polar, with valine, which is neutral and non-polar, at codon 1847 of the SCN1A protein (p.Leu1847Val). This variant is not present in population databases (gnomAD no frequency). This variant has not been reported in the literature in individuals affected with SCN1A-related conditions. ClinVar contains an entry for this variant (Variation ID: 1022409). Invitae Evidence Modeling of protein sequence and biophysical properties (such as structural, functional, and spatial information, amino acid conservation, physicochemical variation, residue mobility, and thermodynamic stability) indicates that this missense variant is not expected to disrupt SCN1A protein function with a negative predictive value of 95%. In summary, the available evidence is currently insufficient to determine the role of this variant in disease. Therefore, it has been classified as a Variant of Uncertain Significance.

Ambry Genetics
Classification: Uncertain significance for Inborn genetic diseases. Last evaluated: 2017-09-12. Review status: criteria provided, single submitter. Criteria: Ambry Variant Classification Scheme 2023. Collection method: clinical testing. Allele origin: germline.
Comment: The p.L1847V variant (also known as c.5539C>G), located in coding exon 26 of the SCN1A gene, results from a C to G substitution at nucleotide position 5539. The leucine at codon 1847 is replaced by valine, an amino acid with highly similar properties. This amino acid position is not well conserved in available vertebrate species. In addition, this alteration is predicted to be tolerated by in silico analysis. Since supporting evidence is limited at this time, the clinical significance of this alteration remains unclear.

NM_001165963.4(SCN1A):c.5539C>G (p.Leu1847Val)

Genes: SCN1A (sodium voltage-gated channel alpha subunit 1; minus strand), LOC102724058 (uncharacterized LOC102724058; plus strand). Cytogenetic location: 2q24.3.
Variant type: single nucleotide variant.
Coding change: c.5539C>G on transcript NM_001165963.4 (MANE Select); coding-DNA position 5539, C replaced by G.
Protein change: p.Leu1847Val; replaces leucine 1847 with valine.
Molecular consequence: missense variant. On other transcripts: non-coding transcript variant (1).
Genome position (GRCh38, 1-based): chr2:165,991,736, G>C on the plus strand (C>G on the coding strand, the complement: SCN1A is on the minus strand). VCF-style: chr2-165991736-G-C. GRCh37 (hg19) VCF-style: chr2-166848246-G-C.
Other names: c.5455C>G, p.Leu1819Val (NM_001165964.3, NM_001353957.2, NM_001353958.2); c.5539C>G, p.Leu1847Val (NM_001202435.3, NM_001353948.2); c.5506C>G, p.Leu1836Val (NM_001353949.2, NM_001353950.2, NM_001353951.2 and 2 more transcripts); c.5503C>G, p.Leu1835Val (NM_001353954.2, NM_001353955.2); c.5452C>G, p.Leu1818Val (NM_001353960.2); c.3097C>G, p.Leu1033Val (NM_001353961.2); short protein forms L1033V, L1818V, L1819V, L1835V, L1836V, L1847V.
Identifiers: ClinVar variation 1022409 (VCV001022409.11), dbSNP rs1689187575, ClinGen allele CA349065530.
Genomic context (GRCh38, chr2:165,991,736, plus strand): 5'-TATCAAGACAGTGGATCCGGTCACCACTCACCATGGGCAAATCCATGGCAATGAGCTGGA[G>C]TTTGTTTGGTTGTGGCAGATTGAGAGGCGGTTCAAGCGCAGCTGCAAACTGAGATAATTT-3'
Protein context (NP_001159435.1, residues 1837-1857): PPLNLPQPNK[Leu1847Val]QLIAMDLPMV